The following is an entry in ClinVar:

NM_001267550.2(TTN):c.85772A>C (p.Glu28591Ala)

Genes: TTN (titin; minus strand), TTN-AS1 (TTN antisense RNA 1; plus strand). Cytogenetic location: 2q31.2.
Variant type: single nucleotide variant.
Coding change: c.85772A>C on transcript NM_001267550.2 (MANE Select); coding-DNA position 85772, A replaced by C.
Protein change: p.Glu28591Ala; replaces glutamic acid 28591 with alanine.
Molecular consequence: missense variant.
Genome position (GRCh38, 1-based): chr2:178,560,360, T>G on the plus strand (A>C on the coding strand, the complement: TTN is on the minus strand). VCF-style: chr2-178560360-T-G. GRCh37 (hg19) VCF-style: chr2-179425087-T-G.
Other names: c.80849A>C, p.Glu26950Ala (NM_001256850.1); c.58577A>C, p.Glu19526Ala (NM_003319.4); c.78068A>C, p.Glu26023Ala (NM_133378.4); c.58952A>C, p.Glu19651Ala (NM_133432.3); c.59153A>C, p.Glu19718Ala (NM_133437.4); short protein forms E19526A, E19651A, E19718A, E26023A, E26950A, E28591A.
Identifiers: ClinVar variation 3347908 (VCV003347908.2).
Genomic context (GRCh38, chr2:178,560,360, plus strand): 5'-TTCACTCTTAGATCATAAACTGGTTTTTTGTTTACACGCACCCATCTTAGGCTATTTTTC[T>G]CTCGCCTTTCAATTATATATCCAGATATTTCACTACCTCCATCACTCTCGGGTCTTGACC-3'
Protein context (NP_001254479.2, residues 28581-28601): EISGYIIERR[Glu28591Ala]KNSLRWVRVN

ClinVar aggregate classification (germline): Uncertain significance. Review status: criteria provided, single submitter (1 of 4 stars). 2 submissions from 2 submitters: Uncertain significance (1). 1 of the submissions does not count toward it. Last evaluated 2026-03-14.

Conditions:
TTN-related disorder. Also called: TTN-related condition; TTN-related disease; TTN-related disorders.

Submissions (2):

GeneDx
Classification: Uncertain significance. Last evaluated: 2026-03-14. Review status: criteria provided, single submitter. Criteria: GeneDx Variant Classification Process June 2021. Collection method: clinical testing. Allele origin: germline.
Comment: Not observed at significant frequency in large population cohorts (gnomAD); Missense variant in a gene in which most reported pathogenic variants are truncating/loss of function; Has not been previously published as pathogenic or benign to our knowledge

PreventionGenetics, part of Exact Sciences
Classification: Uncertain significance for TTN-related condition. Last evaluated: 2024-08-28. Review status: no assertion criteria provided. Collection method: clinical testing. Allele origin: germline. Not counted in ClinVar's aggregate classification.
Comment: The TTN c.85772A>C variant is predicted to result in the amino acid substitution p.Glu28591Ala. To our knowledge, this variant has not been reported in the literature or in a large population database, indicating this variant is rare. At this time, the clinical significance of this variant is uncertain due to the absence of conclusive functional and genetic evidence.